The following is an entry in ClinVar:

ClinVar aggregate classification (germline): Conflicting classifications of pathogenicity. Review status: criteria provided, conflicting classifications (1 of 4 stars). 3 submissions from 3 submitters: Likely pathogenic (1); Uncertain significance (2). Last evaluated 2023-07-01.

Conditions:
Harel-Yoon syndrome (HAYOS). Also called: Optic atrophy-peripheral neuropathy-developmental delay syndrome. Identifiers: Orphanet 496790, MedGen C4310677, MONDO:0014958, OMIM 617183.
Pontocerebellar hypoplasia, hypotonia, and respiratory insufficiency syndrome, neonatal lethal. Also called: PHRINL SYNDROME. Identifiers: Orphanet 615954, MedGen C5394137, MONDO:0032931, OMIM 618810.
Inborn genetic diseases. Identifiers: MedGen C0950123, MeSH D030342.

Allele frequency attached by ClinVar (database versions not stated): TOPMed 0.00001; gnomAD exomes 0.00002 and 0.00001; ExAC 0.00003; ESP Exome Variant Server 0.00008; gnomAD 0.00001.
gnomAD v4.1: 11 of 1,613,306 alleles (0.00068%); highest among the groups gnomAD compares: Admixed American, 0.0067%; no homozygotes.

Submissions (4):

GeneDx
Classification: Uncertain significance. Last evaluated: 2023-07-01. Review status: criteria provided, single submitter. Criteria: GeneDx Variant Classification Process June 2021. Collection method: clinical testing. Allele origin: germline. Affected: yes.
Comment: Has not been previously published as pathogenic or benign to our knowledge; In silico analysis supports a deleterious effect on splicing

Institute of Human Genetics, Clinical Exome/Genome Diagnostics Group, University Hospital Bonn
Classification: Likely pathogenic for Pontocerebellar hypoplasia, hypotonia, and respiratory insufficiency syndrome, neonatal lethal; Harel-Yoon syndrome. Last evaluated: 2021-11-22. Review status: criteria provided, single submitter. Criteria: ACMG Guidelines, 2015. Collection method: clinical testing. Allele origin: maternal. Affected: yes.

Ambry Genetics
Classification: Uncertain significance for Inborn genetic diseases. Last evaluated: 2021-10-16. Review status: criteria provided, single submitter. Criteria: Ambry Variant Classification Scheme 2023. Collection method: clinical testing. Allele origin: germline.
Comment: The c.894G>A (p.T298T) alteration is located in exon 7 (coding exon 7) of the ATAD3A gene. This alteration consists of a G to A substitution at nucleotide position 894. This nucleotide substitution does not change the amino acid at codon 298. However, this change occurs in the last nucleotide of Exon 7 (c.825_894) which makes it likely to have some effect on normal mRNA splicing. Based on insufficient or conflicting evidence, the clinical significance of this alteration remains unclear.

Dr. Peter K. Rogan Lab, Western University
No classification provided (evidence only). Condition: Sarcoma. Review status: no classification provided. Collection method: in vitro. Allele origin: not applicable. Functional consequence: retained intron. Not counted in ClinVar's aggregate classification.

NM_001170535.3(ATAD3A):c.750G>A (p.Thr250=)

Gene: ATAD3A (ATPase family AAA domain containing 3A; plus strand). Cytogenetic location: 1p36.33.
Variant type: single nucleotide variant.
Coding change: c.750G>A on transcript NM_001170535.3 (MANE Select); coding-DNA position 750, G replaced by A.
Protein change: p.Thr250=; no amino-acid change (threonine 250 retained).
Molecular consequence: synonymous variant.
Genome position (GRCh38, 1-based): chr1:1,520,617, G>A. VCF-style: chr1-1520617-G-A. GRCh37 (hg19) VCF-style: chr1-1455997-G-A.
Other names: NC_000001.10:g.1455997G>A; c.513G>A, p.Thr171= (NM_001170536.3); c.894G>A, p.Thr298= (NM_018188.5).
Identifiers: ClinVar variation 452866 (VCV000452866.7), dbSNP rs371490361, ClinGen allele CA525941.